The following is an entry in ClinVar:

NM_006493.4(CLN5):c.751A>G (p.Asn251Asp)

Gene: CLN5 (CLN5 lysosomal BMP synthase; plus strand). Cytogenetic location: 13q22.3.
Variant type: single nucleotide variant.
Coding change: c.751A>G on transcript NM_006493.4 (MANE Select); coding-DNA position 751, A replaced by G.
Protein change: p.Asn251Asp; replaces asparagine 251 with aspartic acid.
Molecular consequence: missense variant. On other transcripts: 3 prime UTR variant (1).
Genome position (GRCh38, 1-based): chr13:77,000,643, A>G. VCF-style: chr13-77000643-A-G. GRCh37 (hg19) VCF-style: chr13-77574778-A-G.
Other names: c.*200A>G (NM_001366624.2); short protein forms N251D, N300D.
Identifiers: ClinVar variation 2202778 (VCV002202778.1), dbSNP rs372403801, ClinGen allele CA7007252.

ClinVar aggregate classification (germline): Uncertain significance (1 of 4 stars; one submission).

Conditions:
Neuronal ceroid lipofuscinosis. Also called: Neuronal Ceroid Lipofuscinoses. Identifiers: Orphanet 216, Orphanet 79263, MedGen C0027877, MONDO:0016295. Disease mechanism: loss of function.

Allele frequency attached by ClinVar (database versions not stated): ExAC 0.00001; TOPMed 0.00002; ESP Exome Variant Server 0.00008.

Submission:

Labcorp Genetics (formerly Invitae), Labcorp
Classification: Uncertain significance for Neuronal ceroid lipofuscinosis. Last evaluated: 2022-06-22. Review status: criteria provided, single submitter. Criteria: Invitae Variant Classification Sherloc (09022015). Collection method: clinical testing. Allele origin: germline.
Comment: This sequence change replaces asparagine, which is neutral and polar, with aspartic acid, which is acidic and polar, at codon 300 of the CLN5 protein (p.Asn300Asp). This variant is present in population databases (rs372403801, gnomAD 0.007%). This variant has not been reported in the literature in individuals affected with CLN5-related conditions. Algorithms developed to predict the effect of missense changes on protein structure and function are either unavailable or do not agree on the potential impact of this missense change (SIFT: "Deleterious"; PolyPhen-2: "Benign"; Align-GVGD: "Class C0"). In summary, the available evidence is currently insufficient to determine the role of this variant in disease. Therefore, it has been classified as a Variant of Uncertain Significance.